The following is an entry in ClinVar:

NM_014000.3(VCL):c.701T>G (p.Val234Gly)

Gene: VCL (vinculin; plus strand). Cytogenetic location: 10q22.2.
Variant type: single nucleotide variant.
Coding change: c.701T>G on transcript NM_014000.3 (MANE Select); coding-DNA position 701, T replaced by G.
Protein change: p.Val234Gly; replaces valine 234 with glycine.
Molecular consequence: missense variant.
Genome position (GRCh38, 1-based): chr10:74,074,821, T>G. VCF-style: chr10-74074821-T-G. GRCh37 (hg19) VCF-style: chr10-75834579-T-G.
Other names: c.701T>G, p.Val234Gly (NM_003373.4); short protein forms V234G.
Identifiers: ClinVar variation 4708967 (VCV004708967.1).
Genomic context (GRCh38, chr10:74,074,821, plus strand): 5'-CAACTAAAAACTCAAAAAACCAAGGCATAGAGGAAGCTTTAAAAAATCGCAATTTTACTG[T>G]AGAAAAAATGAGTGCTGAAATTAATGAGATAATTCGTGTGTTACAACTCACCTCTTGGGA-3'
Protein context (NP_054706.1, residues 224-244): EEALKNRNFT[Val234Gly]EKMSAEINEI

ClinVar aggregate classification (germline): Uncertain significance (1 of 4 stars; one submission).

Conditions:
Dilated cardiomyopathy 1W (CMD1W). Identifiers: Orphanet 154, MedGen C1969639, MONDO:0012667, OMIM 611407.

Submission:

Labcorp Genetics (formerly Invitae), Labcorp
Classification: Uncertain significance for Dilated cardiomyopathy 1W. Last evaluated: 2025-11-22. Review status: criteria provided, single submitter. Criteria: Invitae Variant Classification Sherloc (09022015). Collection method: clinical testing. Allele origin: germline.
Comment: This sequence change replaces valine, which is neutral and non-polar, with glycine, which is neutral and non-polar, at codon 234 of the VCL protein (p.Val234Gly). This variant is present in population databases (no rsID available, gnomAD 0.01%). This variant has not been reported in the literature in individuals affected with VCL-related conditions. An algorithm developed to predict the effect of missense changes on protein structure and function (PolyPhen-2) suggests that this variant is likely to be disruptive. In summary, the available evidence is currently insufficient to determine the role of this variant in disease. Therefore, it has been classified as a Variant of Uncertain Significance.